The following is an entry in ClinVar:

NM_001148.6(ANK2):c.7396C>T (p.Arg2466Cys)

Genes: ANK2 (ankyrin 2; plus strand), LOC126807137 (CDK7 strongly-dependent group 2 enhancer GRCh37_chr4:114276560-114277759; plus strand). Cytogenetic location: 4q26.
Variant type: single nucleotide variant.
Coding change: c.7396C>T on transcript NM_001148.6 (MANE Select); coding-DNA position 7396, C replaced by T.
Protein change: p.Arg2466Cys; replaces arginine 2466 with cysteine.
Molecular consequence: missense variant. On other transcripts: intron variant (68).
Genome position (GRCh38, 1-based): chr4:113,356,014, C>T. VCF-style: chr4-113356014-C-T. GRCh37 (hg19) VCF-style: chr4-114277170-C-T.
Other names: c.7162C>T, p.Arg2388Cys (NM_001386142.1); c.3796C>T, p.Arg1266Cys (NM_001386166.1); c.7537C>T, p.Arg2513Cys (NM_001386174.1); c.7513C>T, p.Arg2505Cys (NM_001386175.1); c.4412-4809C>T (NM_001386186.2, NM_001386148.2); c.4214-4809C>T (NM_001354269.3); c.4292-4809C>T (NM_001386187.2); c.4253-4809C>T (NM_001386147.1); and 35 more; short protein forms R2466C, R1266C, R2388C, R2505C, R2513C.
Identifiers: ClinVar variation 393132 (VCV000393132.15), dbSNP rs562115547, ClinGen allele CA3051582.
Genomic context (GRCh38, chr4:113,356,014, plus strand): 5'-AACTCTTCACACAAAACCCCTGATTCTCTGGAGCCAAGTCCTCTGAAAGAATCCCCTTGC[C>T]GTGACTCTCTGGAAAGCAGCCCTGTTGAACCAAAGATGAAGGCTGGAATTTTTCCAAGTC-3'
Protein context (NP_001139.3, residues 2456-2476): EPSPLKESPC[Arg2466Cys]DSLESSPVEP

ClinVar aggregate classification (germline): Conflicting classifications of pathogenicity. Review status: criteria provided, conflicting classifications (1 of 4 stars). 5 submissions from 5 submitters: Uncertain significance (3); Likely benign (2). Last evaluated 2025-06-16.

Conditions:
Long QT syndrome (LQTS). Identifiers: MedGen C0023976, MeSH D008133, MONDO:0002442. Disease mechanism: loss of function. Inheritance: Various modes of inheritance.
Cardiovascular phenotype. Identifiers: MedGen CN230736.
Cardiac arrhythmia, ankyrin-B-related. Also called: ANKYRIN-B SYNDROME. Identifiers: Orphanet 101016, Orphanet 768, MedGen C1970119, MONDO:0010958, OMIM 600919.

Allele frequency attached by ClinVar (database versions not stated): gnomAD 0.00004; ExAC 0.00005; gnomAD exomes 0.00005 and 0.00006; TOPMed 0.00005; 1000 Genomes Project 30x 0.00016; 1000 Genomes Project 0.00020.
gnomAD v4.1: 89 of 1,614,106 alleles (0.0055%); highest among the groups gnomAD compares: Middle Eastern, 0.017%; no homozygotes.

Submissions (5):

Labcorp Genetics (formerly Invitae), Labcorp
Classification: Likely benign for Long QT syndrome. Last evaluated: 2025-06-16. Review status: criteria provided, single submitter. Criteria: Invitae Variant Classification Sherloc (09022015). Collection method: clinical testing. Allele origin: germline.

Fulgent Genetics
Classification: Uncertain significance for Cardiac arrhythmia, ankyrin-B-related. Last evaluated: 2021-08-04. Review status: criteria provided, single submitter. Criteria: ACMG Guidelines, 2015. Collection method: clinical testing. Allele origin: unknown.

Ambry Genetics
Classification: Likely benign for Cardiovascular phenotype. Last evaluated: 2020-03-26. Review status: criteria provided, single submitter. Criteria: Ambry Variant Classification Scheme 2023. Collection method: clinical testing. Allele origin: germline.

Centre for Mendelian Genomics, University Medical Centre Ljubljana
Classification: Uncertain significance for Cardiac arrhythmia, ankyrin-B-related. Last evaluated: 2019-02-15. Review status: criteria provided, single submitter. Criteria: ACMG Guidelines, 2015. Collection method: clinical testing. Allele origin: unknown. Affected: yes.
Comment: This variant was classified as: Uncertain significance. The available evidence on this variant's pathogenicity is insufficient or conflicting. The following ACMG criteria were applied in classifying this variant: BS1.

GeneDx
Classification: Uncertain significance. Last evaluated: 2019-01-08. Review status: criteria provided, single submitter. Criteria: GeneDx Variant Classification (06012015). Collection method: clinical testing. Allele origin: germline. Affected: yes.
Comment: The R2466C variant of uncertain significance in the ANK2 gene has not been published as pathogenic or been reported as benign to our knowledge. This variant is observed in 12/245416 (0.005%) alleles from individuals of multiple ethnic backgrounds in large population cohorts (Lek et al., 2016). In-silico analyses, including protein predictors and evolutionary conservation, support that this variant does not alter protein structure/function. However, the R2466C variant is a non-conservative amino acid substitution, which is likely to impact secondary protein structure as these residues differ in polarity, charge, size and/or other properties. Therefore, based on the currently available information, it is unclear whether this variant is pathogenic or rare benign.